The following is an entry in ClinVar:

NM_001393985.1(ANKRD24):c.3321C>T (p.Ser1107=)

Gene: ANKRD24 (ankyrin repeat domain 24; plus strand). Cytogenetic location: 19p13.3.
Variant type: single nucleotide variant.
Coding change: c.3321C>T on transcript NM_001393985.1 (MANE Select); coding-DNA position 3321, C replaced by T.
Protein change: p.Ser1107=; no amino-acid change (serine 1107 retained).
Molecular consequence: synonymous variant.
Genome position (GRCh38, 1-based): chr19:4,224,150, C>T. VCF-style: chr19-4224150-C-T. GRCh37 (hg19) VCF-style: chr19-4224147-C-T.
Other names: c.3348C>T, p.Ser1116= (NM_001393552.1); c.3321C>T, p.Ser1107= (NM_001393553.1, NM_133475.1); c.3234C>T, p.Ser1078= (NM_001393555.1); c.3237C>T, p.Ser1079= (NM_001393556.1); c.3273C>T, p.Ser1091= (NM_001393557.1).
Identifiers: ClinVar variation 2649032 (VCV002649032.24), dbSNP rs192375344, ClinGen allele CA9093195.

ClinVar aggregate classification (germline): Likely benign (1 of 4 stars; one submission).

Allele frequency attached by ClinVar (database versions not stated): gnomAD 0.00005; TOPMed 0.00005; gnomAD exomes 0.00007; ExAC 0.00025; 1000 Genomes Project 30x 0.00047; 1000 Genomes Project 0.00060.
gnomAD v4.1: 115 of 1,612,866 alleles (0.0071%); highest among the groups gnomAD compares: East Asian, 0.094%; no homozygotes.

Submission:

CeGaT Center for Human Genetics Tuebingen
Classification: Likely benign. Last evaluated: 2022-04-01. Review status: criteria provided, single submitter. Criteria: CeGaT Center For Human Genetics Tuebingen Variant Classification Criteria Version 2. Collection method: clinical testing. Allele origin: germline. Affected: yes. Observed: 1 variant allele.
Comment: ANKRD24: BP4, BP7